The following is an entry in ClinVar:

NM_001365951.3(KIF1B):c.190G>C (p.Asp64His)

Gene: KIF1B (kinesin family member 1B; plus strand). Cytogenetic location: 1p36.22.
Variant type: single nucleotide variant.
Coding change: c.190G>C on transcript NM_001365951.3 (MANE Select); coding-DNA position 190, G replaced by C.
Protein change: p.Asp64His; replaces aspartic acid 64 with histidine.
Molecular consequence: missense variant.
Genome position (GRCh38, 1-based): chr1:10,258,499, G>C. VCF-style: chr1-10258499-G-C. GRCh37 (hg19) VCF-style: chr1-10318557-G-C.
Other names: c.190G>C, p.Asp64His (NM_001365952.1, NM_001365953.1, NM_015074.3 and 1 more transcripts); short protein forms D64H.
Identifiers: ClinVar variation 3226375 (VCV003226375.1), dbSNP rs2523465094, ClinGen allele CA338324594.

ClinVar aggregate classification (germline): Uncertain significance (1 of 4 stars; one submission).

Submission:

Ambry Genetics
Classification: Uncertain significance. Last evaluated: 2024-03-10. Review status: criteria provided, single submitter. Criteria: Ambry Variant Classification Scheme 2023. Collection method: clinical testing. Allele origin: germline.
Comment: The p.D64H variant (also known as c.190G>C), located in coding exon 3 of the KIF1B gene, results from a G to C substitution at nucleotide position 190. The aspartic acid at codon 64 is replaced by histidine, an amino acid with similar properties. This amino acid position is conserved. In addition, this alteration is predicted to be deleterious by in silico analysis. Based on the available evidence, the clinical significance of this alteration remains unclear.